The following is an entry in ClinVar:

NM_001267550.2(TTN):c.4592_4596del (p.Val1531fs)

Genes: TTN (titin; minus strand), LOC101927055 (uncharacterized LOC101927055; plus strand). Cytogenetic location: 2q31.2.
Variant type: Deletion.
Coding change: c.4592_4596del on transcript NM_001267550.2 (MANE Select); coding-DNA positions 4592 to 4596, 5 bases deleted (TTGCC; older notation c.4592_4596delTTGCC).
Protein change: p.Val1531fs; shifts the reading frame from valine 1531.
Molecular consequence: frameshift variant. On other transcripts: non-coding transcript variant (1).
Genome position (GRCh38, 1-based): chr2:178,777,469-178,777,473, GGCAA deleted on the plus strand (TTGCC on the coding strand, the reverse complement: TTN is on the minus strand). VCF-style (leftmost placement, unchanged base first): chr2-178777468-GGGCAA-G. GRCh37 (hg19) VCF-style: chr2-179642195-GGGCAA-G.
Other names: c.4592_4596del, p.Val1531fs (NM_001256850.1, NM_133378.4, NM_133379.5); c.4454_4458del, p.Val1485fs (NM_003319.4, NM_133432.3, NM_133437.4); c.4592_4596delTTGCC (NM_001256850.1); c.4454_4458delTTGCC (NM_003319.4); short protein forms V1485fs, V1531fs.
Identifiers: ClinVar variation 430334 (VCV000430334.9), dbSNP rs1131691910, ClinGen allele CA538438304.

ClinVar aggregate classification (germline): Conflicting classifications of pathogenicity. Review status: criteria provided, conflicting classifications (1 of 4 stars). 3 submissions from 3 submitters: Likely pathogenic (2); Uncertain significance (1). Last evaluated 2025-09-27.

Conditions:
Dilated cardiomyopathy 1G (CMD1G). Identifiers: Orphanet 154, MedGen C1858763, MONDO:0011400, OMIM 604145.
Autosomal recessive limb-girdle muscular dystrophy type 2J (LGMDR10). Also called: Limb-girdle muscular dystrophy, type 2J; MUSCULAR DYSTROPHY, LIMB-GIRDLE, AUTOSOMAL RECESSIVE 10. Identifiers: Orphanet 140922, MedGen C1837342, MONDO:0012127, OMIM 608807.
Cardiovascular phenotype. Identifiers: MedGen CN230736.

Allele frequency attached by ClinVar (database versions not stated): gnomAD exomes below 0.00001.

Submissions (3):

Labcorp Genetics (formerly Invitae), Labcorp
Classification: Likely pathogenic for Dilated cardiomyopathy 1G; Autosomal recessive limb-girdle muscular dystrophy type 2J. Last evaluated: 2025-09-27. Review status: criteria provided, single submitter. Criteria: Invitae Variant Classification Sherloc (09022015). Collection method: clinical testing. Allele origin: germline.
Comment: This sequence change creates a premature translational stop signal (p.Val1531Alafs*42) in the TTN gene. While this is not anticipated to result in nonsense mediated decay, it is expected to create a truncated TTN protein. This variant is present in population databases (no rsID available, gnomAD 0.007%). This variant has not been reported in the literature in individuals affected with TTN-related conditions. ClinVar contains an entry for this variant (Variation ID: 430334). This variant is located in the Z band of TTN (PMID: 25589632). Truncating variants in this region have been reported in individuals affected with autosomal recessive centronuclear myopathy (PMID: 33449170, internal data). Truncating variants in this region have also been identified in individuals affected with autosomal dominant dilated cardiomyopathy and/or cardio-related conditions (PMID: 27869827, 32964742, internal data). In summary, the currently available evidence indicates that the variant is pathogenic, but additional data are needed to prove that conclusively. Therefore, this variant has been classified as Likely Pathogenic.

Ambry Genetics
Classification: Likely pathogenic for Cardiovascular phenotype. Last evaluated: 2025-03-04. Review status: criteria provided, single submitter. Criteria: Ambry Variant Classification Scheme 2023. Collection method: clinical testing. Allele origin: germline.
Comment: The c.4454_4458delTTGCC variant, located in coding exon 24 of the TTN gene, results from a deletion of 5 nucleotides at nucleotide positions 4454 to 4458, causing a translational frameshift with a predicted alternate stop codon (p.V1485Afs*42). This exon is located in the near Z-disk region of the N2-B isoform of the titin protein and is constitutively expressed in TTN transcripts (percent spliced in or PSI 100%). This variant is considered to be rare based on population cohorts in the Genome Aggregation Database (gnomAD). This variant is expected to result in loss of function by premature protein truncation or nonsense-mediated mRNA decay. While truncating variants in TTN are present in 1-3% of the general population, truncating variants in the A-band are the most common cause of dilated cardiomyopathy (Herman DS et al. N. Engl. J. Med., 2012 Feb;366:619-28; Roberts AM et al. Sci Transl Med, 2015 Jan;7:270ra6). TTN truncating variants encoded in constitutive exons (PSI >90%) have been found to be significantly associated with DCM regardless of their position in titin (Schafer S et al. Nat. Genet., 2017 01;49:46-53; Akhtar MM et al. Circ Heart Fail, 2020 Oct;13:e006832; Massier M et al. Clin Genet, 2025 Jan). Based on the majority of available evidence to date, this variant is likely to be pathogenic.

GeneDx
Classification: Uncertain significance. Last evaluated: 2017-05-24. Review status: criteria provided, single submitter. Criteria: GeneDx Variant Classification (06012015). Collection method: clinical testing. Allele origin: germline. Affected: yes.
Comment: The c.4592_4596delTTGCC variant of uncertain significance in the TTN gene has not been published as pathogenic or been reported as benign to our knowledge. This variant is not observed in large population cohorts (Lek et al., 2016; 1000 Genomes Consortium et al., 2015; Exome Variant Server). The c.4592_4596delTTGCC variant causes a shift in reading frame starting at codon Valine 1531, changing it to an Alanine, and creating a premature stop codon at position 42 of the new reading frame, denoted p.Val1531ValfsX42. This variant is expected to result in either an abnormal, truncated protein product or loss of protein from this allele through nonsense-mediated mRNA decay. Nevertheless, other truncating variants have been reported in 3% of control alleles (Herman et al., 2012). Furthermore, the majority of TTN frameshift variants reported in the Human Gene Mutation Database in association with cardiomyopathy and myopathy reside in the A-band of TTN (Stenson et al., 2014). The c.4592_4596delTTGCC variant resides in the Near Z-disc region (between the Z-disk and the I-band) and the clinical significance of truncating variants in this region is not well characterized. Therefore, based on the currently available information, it is unclear whether this variant is pathogenic or rare benign.

Literature cited by the submitters: PubMed 25589632 (cited by Labcorp Genetics (formerly Invitae), Labcorp); PubMed 33449170 (cited by Labcorp Genetics (formerly Invitae), Labcorp); PubMed 27869827 (cited by Labcorp Genetics (formerly Invitae), Labcorp); PubMed 32964742 (cited by Labcorp Genetics (formerly Invitae), Labcorp).